The following is an entry in ClinVar:

ClinVar aggregate classification (germline): Uncertain significance. Review status: criteria provided, multiple submitters, no conflicts (2 of 4 stars). 2 submissions from 2 submitters: Uncertain significance (2). Last evaluated 2026-09-24.

Submissions (2):

GeneDx
Classification: Uncertain significance. Last evaluated: 2026-09-24. Review status: criteria provided, single submitter. Criteria: GeneDx Variant Classification Process June 2021. Collection method: clinical testing. Allele origin: germline.
Comment: Not observed at significant frequency in large population cohorts (gnomAD); In silico analysis supports that this missense variant has a deleterious effect on protein structure/function; Has not been previously published as pathogenic or benign to our knowledge

Revvity Omics, Revvity
Classification: Uncertain significance. Last evaluated: 2022-07-26. Review status: criteria provided, single submitter. Criteria: ACMG Guidelines, 2015. Collection method: clinical testing. Allele origin: germline.

NM_000334.4(SCN4A):c.3769C>T (p.Arg1257Trp)

Genes: GH-LCR (growth hormone locus control region; plus strand), SCN4A (sodium voltage-gated channel alpha subunit 4; minus strand). Cytogenetic location: 17q23.3.
Variant type: single nucleotide variant.
Coding change: c.3769C>T on transcript NM_000334.4 (MANE Select); coding-DNA position 3769, C replaced by T.
Protein change: p.Arg1257Trp; replaces arginine 1257 with tryptophan.
Molecular consequence: missense variant.
Genome position (GRCh38, 1-based): chr17:63,945,012, G>A on the plus strand (C>T on the coding strand, the complement: SCN4A is on the minus strand). VCF-style: chr17-63945012-G-A. GRCh37 (hg19) VCF-style: chr17-62022372-G-A.
Other names: short protein forms R1257W.
Identifiers: ClinVar variation 2435737 (VCV002435737.6), dbSNP rs2509289708, ClinGen allele CA400617547.